The following is an entry in ClinVar:

NM_000143.4(FH):c.1152A>C (p.Ala384=)

Gene: FH (fumarate hydratase; minus strand). Cytogenetic location: 1q43.
Variant type: single nucleotide variant.
Coding change: c.1152A>C on transcript NM_000143.4 (MANE Select); coding-DNA position 1152, A replaced by C.
Protein change: p.Ala384=; no amino-acid change (alanine 384 retained).
Molecular consequence: synonymous variant.
Genome position (GRCh38, 1-based): chr1:241,502,527, T>G on the plus strand (A>C on the coding strand, the complement: FH is on the minus strand). VCF-style: chr1-241502527-T-G. GRCh37 (hg19) VCF-style: chr1-241665827-T-G.
Other names: c.1152A>C (NM_000143.3).
Identifiers: ClinVar variation 1124660 (VCV001124660.11), dbSNP rs2147914968, ClinGen allele CA424075697.
Genomic context (GRCh38, chr1:241,502,527, plus strand): 5'-CTCAAAATGTCCATTGCTGCCTCCGACAGTGACAGCAACATGGTTCCCCATGACTTGGGC[T>G]GCAACCATGGTCATTGCTTCACACTGAGTAGGGTTCACCTTGCCTTCAAGAAAACCACCA-3'
Protein context (NP_000134.2, residues 374-394): PTQCEAMTMV[Ala384=]AQVMGNHVAV

ClinVar aggregate classification (germline): Benign/Likely benign. Review status: criteria provided, multiple submitters, no conflicts (2 of 4 stars). 3 submissions from 3 submitters: Benign (1); Likely benign (2). Last evaluated 2024-10-21.

Conditions:
Hereditary leiomyomatosis and renal cell cancer. Also called: Reed syndrome; Multiple cutaneous and uterine leiomyomatosis; Cutaneous leiomyomata with uterine leiomyomata; Leiomyoma, hereditary multiple, of skin; Multiple cutaneous and uterine leiomyomata; Multiple cutaneous leiomyomas. Identifiers: Orphanet 523, MedGen C1708350, MONDO:0007888, OMIM 150800, HP:0007437. Disease mechanism: loss of function.
Hereditary cancer-predisposing syndrome. Also called: Neoplastic Syndromes, Hereditary; Hereditary Cancer Syndrome; Hereditary neoplastic syndrome; Tumor predisposition. Identifiers: Orphanet 140162, MedGen C0027672, MeSH D009386, MONDO:0015356.

Submissions (3):

Myriad Genetics, Inc.
Classification: Benign for Hereditary leiomyomatosis and renal cell cancer. Last evaluated: 2024-10-21. Review status: criteria provided, single submitter. Criteria: Myriad Autosomal Dominant, Autosomal Recessive and X-Linked Classification Criteria (2023). Collection method: clinical testing. Allele origin: unknown.
Comment: This variant is considered benign. This variant is a silent/synonymous amino acid change and it is not expected to impact splicing.

Ambry Genetics
Classification: Likely benign for Hereditary cancer-predisposing syndrome. Last evaluated: 2024-07-11. Review status: criteria provided, single submitter. Criteria: Ambry Variant Classification Scheme 2023. Collection method: clinical testing. Allele origin: germline.

Labcorp Genetics (formerly Invitae), Labcorp
Classification: Likely benign. Last evaluated: 2022-05-27. Review status: criteria provided, single submitter. Criteria: Invitae Variant Classification Sherloc (09022015). Collection method: clinical testing. Allele origin: germline.